The following is an entry in ClinVar:

NM_000038.6(APC):c.4414G>A (p.Val1472Ile)

Gene: APC (APC regulator of Wnt signaling pathway; plus strand). Cytogenetic location: 5q22.2.
Variant type: single nucleotide variant.
Coding change: c.4414G>A on transcript NM_000038.6 (MANE Select); coding-DNA position 4414, G replaced by A.
Protein change: p.Val1472Ile; replaces valine 1472 with isoleucine.
Molecular consequence: missense variant.
Genome position (GRCh38, 1-based): chr5:112,840,008, G>A. VCF-style: chr5-112840008-G-A. GRCh37 (hg19) VCF-style: chr5-112175705-G-A.
Other names: c.4414G>A, p.Val1472Ile (NM_001127510.3, NM_001354895.2); c.4360G>A, p.Val1454Ile (NM_001127511.3); c.4468G>A, p.Val1490Ile (NM_001354896.2); c.4444G>A, p.Val1482Ile (NM_001354897.2); c.4339G>A, p.Val1447Ile (NM_001354898.2); c.4330G>A, p.Val1444Ile (NM_001354899.2); c.4291G>A, p.Val1431Ile (NM_001354900.2); c.4237G>A, p.Val1413Ile (NM_001354901.2); and 5 more; short protein forms V1454I, V1472I, V1431I, V1490I, V1189I, V1346I, V1482I, V1413I.
Identifiers: ClinVar variation 236599 (VCV000236599.18), dbSNP rs878853445, ClinGen allele CA10582313.

ClinVar aggregate classification (germline): Uncertain significance. Review status: criteria provided, multiple submitters, no conflicts (2 of 4 stars). 4 submissions from 4 submitters: Uncertain significance (4). Last evaluated 2025-12-23.

Conditions:
Hereditary cancer-predisposing syndrome. Also called: Hereditary neoplastic syndrome; Hereditary Cancer Syndrome; Neoplastic Syndromes, Hereditary; Tumor predisposition. Identifiers: Orphanet 140162, MedGen C0027672, MeSH D009386, MONDO:0015356.
Familial adenomatous polyposis 1 (FAP1). Also called: FAMILIAL ADENOMATOUS POLYPOSIS 1, ATTENUATED; POLYPOSIS, ADENOMATOUS INTESTINAL. Identifiers: MedGen C2713442, MONDO:0021056, OMIM 175100. Disease mechanism: loss of function.

Allele frequency attached by ClinVar (database versions not stated): gnomAD exomes 0.00001.
gnomAD v4.1: 5 of 1,614,140 alleles (0.00031%); highest among the groups gnomAD compares: Non-Finnish European, 0.00034%; no homozygotes.

Submissions (4):

Labcorp Genetics (formerly Invitae), Labcorp
Classification: Uncertain significance for Familial adenomatous polyposis 1. Last evaluated: 2025-12-23. Review status: criteria provided, single submitter. Criteria: Invitae Variant Classification Sherloc (09022015). Collection method: clinical testing. Allele origin: germline.
Comment: This sequence change replaces valine, which is neutral and non-polar, with isoleucine, which is neutral and non-polar, at codon 1472 of the APC protein (p.Val1472Ile). This variant is present in population databases (no rsID available, gnomAD 0.0009%). This variant has not been reported in the literature in individuals affected with APC-related conditions. ClinVar contains an entry for this variant (Variation ID: 236599). Invitae Evidence Modeling of protein sequence and biophysical properties (such as structural, functional, and spatial information, amino acid conservation, physicochemical variation, residue mobility, and thermodynamic stability) indicates that this missense variant is not expected to disrupt APC protein function with a negative predictive value of 95%. In summary, the available evidence is currently insufficient to determine the role of this variant in disease. Therefore, it has been classified as a Variant of Uncertain Significance.

Color Diagnostics, LLC DBA Color Health
Classification: Uncertain significance for Hereditary cancer-predisposing syndrome. Last evaluated: 2025-01-13. Review status: criteria provided, single submitter. Criteria: ACMG Guidelines, 2015. Collection method: clinical testing. Allele origin: germline.
Comment: This missense variant replaces valine with isoleucine at codon 1472 of the APC protein. Computational prediction suggests that this variant may not impact protein structure and function (internally defined REVEL score threshold <= 0.5, PMID: 27666373). To our knowledge, functional studies have not been reported for this variant. This variant has not been reported in individuals affected with APC-related disorders in the literature. This variant has been identified in 2/251122 chromosomes in the general population by the Genome Aggregation Database (gnomAD). The available evidence is insufficient to determine the role of this variant in disease conclusively. Therefore, this variant is classified as a Variant of Uncertain Significance.

Ambry Genetics
Classification: Uncertain significance for Hereditary cancer-predisposing syndrome. Last evaluated: 2023-04-06. Review status: criteria provided, single submitter. Criteria: Ambry Variant Classification Scheme 2023. Collection method: clinical testing. Allele origin: germline.
Comment: The p.V1472I variant (also known as c.4414G>A), located in coding exon 15 of the APC gene, results from a G to A substitution at nucleotide position 4414. The valine at codon 1472 is replaced by isoleucine, an amino acid with highly similar properties. This amino acid position is not well conserved in available vertebrate species, and isoleucine is the reference amino acid in other vertebrate species. In addition, in silico predictors for this gene do not accurately predict pathogenicity. Since supporting evidence is limited at this time, the clinical significance of this alteration remains unclear.

Mendelics
Classification: Uncertain significance for Familial adenomatous polyposis 1. Last evaluated: 2019-05-28. Review status: criteria provided, single submitter. Criteria: Mendelics Assertion Criteria 2017. Collection method: clinical testing. Allele origin: unknown.